The following is an entry in ClinVar:

ClinVar aggregate classification (germline): Uncertain significance. Review status: criteria provided, multiple submitters, no conflicts (2 of 4 stars). 2 submissions from 2 submitters: Uncertain significance (2). Last evaluated 2020-05-05.

Conditions:
CHARGE syndrome (CHARGE). Also called: Hittner Hirsch Kreh syndrome; CHARGE ASSOCIATION--COLOBOMA, HEART ANOMALY, CHOANAL ATRESIA, RETARDATION, GENITAL AND EAR ANOMALIES; Coloboma, heart anomaly, choanal atresia, retardation, genital and ear anomalies; CHARGE association; Hall-Hittner syndrome. Identifiers: Orphanet 138, MedGen C0265354, MONDO:0008965.

Submissions (2):

Labcorp Genetics (formerly Invitae), Labcorp
Classification: Uncertain significance for CHARGE syndrome. Last evaluated: 2020-05-05. Review status: criteria provided, single submitter. Criteria: Invitae Variant Classification Sherloc (09022015). Collection method: clinical testing. Allele origin: germline.
Comment: This sequence change replaces aspartic acid with glycine at codon 2443 of the CHD7 protein (p.Asp2443Gly). The aspartic acid residue is highly conserved and there is a moderate physicochemical difference between aspartic acid and glycine. In summary, the available evidence is currently insufficient to determine the role of this variant in disease. Therefore, it has been classified as a Variant of Uncertain Significance. Algorithms developed to predict the effect of missense changes on protein structure and function (SIFT, PolyPhen-2, Align-GVGD) all suggest that this variant is likely to be tolerated, but these predictions have not been confirmed by published functional studies and their clinical significance is uncertain. This variant has not been reported in the literature in individuals with CHD7-related conditions. This variant is not present in population databases (ExAC no frequency).

GeneDx
Classification: Uncertain significance. Last evaluated: 2019-12-09. Review status: criteria provided, single submitter. Criteria: GeneDx Variant Classification Process June 2021. Collection method: clinical testing. Allele origin: germline. Affected: yes.
Comment: Not observed in large population cohorts (Lek et al., 2016); In silico analysis, which includes protein predictors and evolutionary conservation, supports a deleterious effect; Has not been previously published as pathogenic or benign to our knowledge

NM_017780.4(CHD7):c.7328A>G (p.Asp2443Gly)

Gene: CHD7 (chromodomain helicase DNA binding protein 7; plus strand). Cytogenetic location: 8q12.2.
Variant type: single nucleotide variant.
Coding change: c.7328A>G on transcript NM_017780.4 (MANE Select); coding-DNA position 7328, A replaced by G.
Protein change: p.Asp2443Gly; replaces aspartic acid 2443 with glycine.
Molecular consequence: missense variant. On other transcripts: intron variant (1).
Genome position (GRCh38, 1-based): chr8:60,856,608, A>G. VCF-style: chr8-60856608-A-G. GRCh37 (hg19) VCF-style: chr8-61769167-A-G.
Other names: c.1717-5621A>G (NM_001316690.1); short protein forms D2443G.
Identifiers: ClinVar variation 1054818 (VCV001054818.10), dbSNP rs2129649399, ClinGen allele CA371300951.